The following is an entry in ClinVar:

ClinVar aggregate classification (germline): Likely benign (1 of 4 stars; one submission).

Conditions:
VPS13B-related disorder. Also called: VPS13B-related condition.

Submission:

PreventionGenetics, part of Exact Sciences
Classification: Likely benign for VPS13B-related condition. Last evaluated: 2026-04-08. Review status: criteria provided, single submitter. Criteria: ACMG Guidelines, 2015. Collection method: clinical testing. Allele origin: germline.
Comment: This variant is classified as likely benign based on ACMG/AMP sequence variant interpretation guidelines (Richards et al. 2015 PMID: 25741868, with internal and published modifications).

NM_152564.5(VPS13B):c.3921C>A (p.Thr1307=)

Gene: VPS13B (vacuolar protein sorting 13 homolog B; plus strand). Cytogenetic location: 8q22.2.
Variant type: single nucleotide variant.
Coding change: c.3921C>A on transcript NM_152564.5 (MANE Select); coding-DNA position 3921, C replaced by A.
Protein change: p.Thr1307=; no amino-acid change (threonine 1307 retained).
Molecular consequence: synonymous variant.
Genome position (GRCh38, 1-based): chr8:99,501,737, C>A. VCF-style: chr8-99501737-C-A. GRCh37 (hg19) VCF-style: chr8-100513965-C-A.
Other names: c.3921C>A, p.Thr1307= (NM_017890.5).
Identifiers: ClinVar variation 4996205 (VCV004996205.1).
Genomic context (GRCh38, chr8:99,501,737, plus strand): 5'-CTCATCCCAGGGAGATTCTATACAAGCAGGTGAGGAATCACCATTCTCAGATTCTGTGAC[C>A]TTGGAACAAACTACAAGTAATATTGGAGGAACCAGTGGACGTGTTAGTTTATGGATGCAG-3'
Protein context (NP_689777.3, residues 1297-1317): GEESPFSDSV[Thr1307=]LEQTTSNIGG